The following is an entry in ClinVar:

NM_018319.4(TDP1):c.774G>A (p.Ala258=)

Gene: TDP1 (tyrosyl-DNA phosphodiesterase 1; plus strand). Cytogenetic location: 14q32.11.
Variant type: single nucleotide variant.
Coding change: c.774G>A on transcript NM_018319.4 (MANE Select); coding-DNA position 774, G replaced by A.
Protein change: p.Ala258=; no amino-acid change (alanine 258 retained).
Molecular consequence: synonymous variant.
Genome position (GRCh38, 1-based): chr14:89,975,798, G>A. VCF-style: chr14-89975798-G-A. GRCh37 (hg19) VCF-style: chr14-90442142-G-A.
Other names: c.774G>A, p.Ala258= (NM_001008744.2, NM_001330205.2).
Identifiers: ClinVar variation 777244 (VCV000777244.8), dbSNP rs139270583, ClinGen allele CA7303720.

ClinVar aggregate classification (germline): Benign/Likely benign. Review status: criteria provided, multiple submitters, no conflicts (2 of 4 stars). 4 submissions from 4 submitters: Benign (1); Likely benign (2). 1 of the submissions does not count toward it. Last evaluated 2024-10-30.

Conditions:
TDP1-related disorder. Also called: TDP1-related condition.

Allele frequency attached by ClinVar (database versions not stated): ExAC 0.00031; gnomAD exomes 0.00031 and 0.00076; gnomAD 0.00036; TOPMed 0.00039; ESP Exome Variant Server 0.00085.
gnomAD v4.1: 1,171 of 1,613,126 alleles (0.073%); highest among the groups gnomAD compares: Non-Finnish European, 0.093%; 1 homozygote.

Submissions (4):

Blueprint Genetics
Classification: Likely benign. Last evaluated: 2024-10-30. Review status: criteria provided, single submitter. Criteria: ACMG Guidelines, 2015. Collection method: clinical testing. Allele origin: germline.

Athena Diagnostics
Classification: Benign. Last evaluated: 2024-06-24. Review status: criteria provided, single submitter. Criteria: Athena Diagnostics Criteria. Collection method: clinical testing. Allele origin: unknown.

Labcorp Genetics (formerly Invitae), Labcorp
Classification: Likely benign. Last evaluated: 2017-09-08. Review status: criteria provided, single submitter. Criteria: Invitae Variant Classification Sherloc (09022015). Collection method: clinical testing. Allele origin: germline.

PreventionGenetics, part of Exact Sciences
Classification: Likely benign for TDP1-related condition. Last evaluated: 2019-11-25. Review status: no assertion criteria provided. Collection method: clinical testing. Allele origin: germline. Not counted in ClinVar's aggregate classification.
Comment: This variant is classified as likely benign based on ACMG/AMP sequence variant interpretation guidelines (Richards et al. 2015 PMID: 25741868, with internal and published modifications).